The following is an entry in ClinVar:

ClinVar aggregate classification (germline): Uncertain significance. Review status: criteria provided, multiple submitters, no conflicts (2 of 4 stars). 3 submissions from 3 submitters: Uncertain significance (3). Last evaluated 2025-07-08.

Conditions:
Hereditary cancer-predisposing syndrome. Also called: Hereditary Cancer Syndrome; Hereditary neoplastic syndrome; Neoplastic Syndromes, Hereditary; Tumor predisposition. Identifiers: Orphanet 140162, MedGen C0027672, MeSH D009386, MONDO:0015356.
Bloom syndrome (BLM). Also called: Bloom-Torre-Machacek syndrome. Identifiers: Orphanet 125, MedGen C0005859, MONDO:0008876, OMIM 210900.

Allele frequency attached by ClinVar (database versions not stated): TOPMed below 0.00001.
gnomAD v4.1: 3 of 1,614,126 alleles (0.00019%); highest among the groups gnomAD compares: South Asian, 0.0011%; no homozygotes.

Submissions (3):

GeneDx
Classification: Uncertain significance. Last evaluated: 2025-07-08. Review status: criteria provided, single submitter. Criteria: GeneDx Variant Classification Process June 2021. Collection method: clinical testing. Allele origin: germline. Affected: yes.
Comment: Not observed at significant frequency in large population cohorts (gnomAD); In silico analysis supports that this missense variant has a deleterious effect on protein structure/function; Has not been previously published as pathogenic or benign to our knowledge

Labcorp Genetics (formerly Invitae), Labcorp
Classification: Uncertain significance for Bloom syndrome. Last evaluated: 2025-02-19. Review status: criteria provided, single submitter. Criteria: Invitae Variant Classification Sherloc (09022015). Collection method: clinical testing. Allele origin: germline.
Comment: This sequence change replaces proline, which is neutral and non-polar, with serine, which is neutral and polar, at codon 1408 of the BLM protein (p.Pro1408Ser). This variant is not present in population databases (gnomAD no frequency). This variant has not been reported in the literature in individuals affected with BLM-related conditions. ClinVar contains an entry for this variant (Variation ID: 1738839). An algorithm developed to predict the effect of missense changes on protein structure and function outputs the following: PolyPhen-2: "Benign". The serine amino acid residue is found in multiple mammalian species, which suggests that this missense change does not adversely affect protein function. In summary, the available evidence is currently insufficient to determine the role of this variant in disease. Therefore, it has been classified as a Variant of Uncertain Significance.

Ambry Genetics
Classification: Uncertain significance for Hereditary cancer-predisposing syndrome. Last evaluated: 2025-01-26. Review status: criteria provided, single submitter. Criteria: Ambry Variant Classification Scheme 2023. Collection method: clinical testing. Allele origin: germline.

NM_000057.4(BLM):c.4222C>T (p.Pro1408Ser)

Gene: BLM (BLM RecQ like helicase; plus strand). Cytogenetic location: 15q26.1.
Variant type: single nucleotide variant.
Coding change: c.4222C>T on transcript NM_000057.4 (MANE Select); coding-DNA position 4222, C replaced by T.
Protein change: p.Pro1408Ser; replaces proline 1408 with serine.
Molecular consequence: missense variant.
Genome position (GRCh38, 1-based): chr15:90,815,247, C>T. VCF-style: chr15-90815247-C-T. GRCh37 (hg19) VCF-style: chr15-91358477-C-T.
Other names: c.4222C>T, p.Pro1408Ser (NM_001287246.2); c.3829C>T, p.Pro1277Ser (NM_001287247.2); c.3097C>T, p.Pro1033Ser (NM_001287248.2); short protein forms P1277S, P1408S, P1033S.
Identifiers: ClinVar variation 1738839 (VCV001738839.7), dbSNP rs1897532050, ClinGen allele CA393853138.